The following is an entry in ClinVar:

NM_000352.6(ABCC8):c.3885_3886del (p.Asn1295fs)

Gene: ABCC8 (ATP binding cassette subfamily C member 8; minus strand). Cytogenetic location: 11p15.1.
Variant type: Deletion.
Coding change: c.3885_3886del on transcript NM_000352.6 (MANE Select); coding-DNA positions 3885 to 3886, 2 bases deleted (CT; older notation c.3885_3886delCT).
Protein change: p.Asn1295fs; shifts the reading frame from asparagine 1295.
Molecular consequence: frameshift variant. On other transcripts: non-coding transcript variant (1).
Genome position (GRCh38, 1-based): chr11:17,397,295-17,397,296, AG deleted on the plus strand (CT on the coding strand, the reverse complement: ABCC8 is on the minus strand). VCF-style (leftmost placement, unchanged base first): chr11-17397294-CAG-C. GRCh37 (hg19) VCF-style: chr11-17418841-CAG-C.
Other names: c.3888_3889del, p.Asn1296fs (NM_001287174.3); c.3951_3952del, p.Asn1317fs (NM_001351295.2); c.3885_3886del, p.Asn1295fs (NM_001351296.2); c.3882_3883del, p.Asn1294fs (NM_001351297.2); short protein forms N1294fs, N1295fs, N1296fs, N1317fs.
Identifiers: ClinVar variation 5011474 (VCV005011474.1).

ClinVar aggregate classification (germline): Pathogenic (1 of 4 stars; one submission).

Conditions:
Hyperinsulinemic hypoglycemia, familial, 1 (HHF1). Also called: HYPERINSULINISM, FAMILIAL, WITH PANCREATIC NESIDIOBLASTOSIS; HYPOGLYCEMIA, HYPERINSULINEMIC, OF INFANCY; NESIDIOBLASTOSIS OF PANCREAS; Persistent Hyperinsulinemia Hypoglycemia of Infancy; Persistent hyperinsulinemic hypoglycemia of infancy. Identifiers: Orphanet 276575, Orphanet 276598, MedGen C2931832, MONDO:0009734, OMIM 256450.

Submission:

Myriad Genetics, Inc.
Classification: Pathogenic for Hyperinsulinemic hypoglycemia, familial, 1. Last evaluated: 2023-08-25. Review status: criteria provided, single submitter. Criteria: Myriad Autosomal Dominant, Autosomal Recessive and X-Linked Classification Criteria (2023). Collection method: clinical testing. Allele origin: unknown.
Comment: NM_000352.3(ABCC8):c.3885_3886delCT(N1295Kfs*110) is expected to be pathogenic in the context of familial hyperinsulinism, ABCC8-related. This variant is predicted to lead to an abnormal or absent protein product due to the creation of a premature termination codon in ABCC8, a gene where loss-of-function variants are known to be pathogenic. Please note: this variant was assessed in the context of healthy population screening.